The following is an entry in ClinVar:

ClinVar aggregate classification (germline): Uncertain significance (1 of 4 stars; one submission).

Submission:

Labcorp Genetics (formerly Invitae), Labcorp
Classification: Uncertain significance. Last evaluated: 2026-01-12. Review status: criteria provided, single submitter. Criteria: Invitae Variant Classification Sherloc (09022015). Collection method: clinical testing. Allele origin: germline.
Comment: This sequence change replaces phenylalanine, which is neutral and non-polar, with isoleucine, which is neutral and non-polar, at codon 111 of the CTNNA1 protein (p.Phe111Ile). This variant is not present in population databases (gnomAD no frequency). This variant has not been reported in the literature in individuals affected with CTNNA1-related conditions. Invitae Evidence Modeling of protein sequence and biophysical properties (such as structural, functional, and spatial information, amino acid conservation, physicochemical variation, residue mobility, and thermodynamic stability) indicates that this missense variant is expected to disrupt CTNNA1 protein function with a positive predictive value of 80%. In summary, the available evidence is currently insufficient to determine the role of this variant in disease. Therefore, it has been classified as a Variant of Uncertain Significance.

NM_001903.5(CTNNA1):c.331T>A (p.Phe111Ile)

Gene: CTNNA1 (catenin alpha 1; plus strand). Cytogenetic location: 5q31.2.
Variant type: single nucleotide variant.
Coding change: c.331T>A on transcript NM_001903.5 (MANE Select); coding-DNA position 331, T replaced by A.
Protein change: p.Phe111Ile; replaces phenylalanine 111 with isoleucine.
Molecular consequence: missense variant. On other transcripts: intron variant (1).
Genome position (GRCh38, 1-based): chr5:138,810,067, T>A. VCF-style: chr5-138810067-T-A. GRCh37 (hg19) VCF-style: chr5-138145756-T-A.
Other names: c.331T>A, p.Phe111Ile (NM_001290307.3, NM_001323982.2, NM_001323983.1 and 3 more transcripts); c.22T>A, p.Phe8Ile (NM_001290309.3); c.-5-34T>A (NM_001290310.3); short protein forms F8I, F111I.
Identifiers: ClinVar variation 4742755 (VCV004742755.1).
Genomic context (GRCh38, chr5:138,810,067, plus strand): 5'-TGCTGAGTTTGTTTTTCATTCTGTAAAACAGGTGATTTGATGAAGGCTGCTGCAGGAGAG[T>A]TCGCAGATGATCCCTGCTCTTCTGTGAAGCGAGGCAACATGGTTCGGGCAGCTCGAGCTT-3'
Protein context (NP_001894.2, residues 101-121): GDLMKAAAGE[Phe111Ile]ADDPCSSVKR